The following is an entry in ClinVar:

ClinVar aggregate classification (germline): Pathogenic. Review status: criteria provided, multiple submitters, no conflicts (2 of 4 stars). 8 submissions from 8 submitters: Pathogenic (7). 1 of the submissions does not count toward it. Last evaluated 2026-09-23.

Conditions:
CHM-related disorder. Also called: CHM-related condition.
CHM-related disorders.
Choroideremia. Also called: Chorioretinal scalloped atrophy. Identifiers: Orphanet 180, MedGen C0008525, MONDO:0010557, OMIM 303100, HP:0001139.
Retinal dystrophy. Also called: Inherited retinal dystrophy. Identifiers: Orphanet 71862, MedGen C0854723, MeSH D058499, MONDO:0019118, HP:0000556.
Retinitis pigmentosa (RP). Identifiers: Orphanet 791, MedGen C0035334, MeSH D012174, MONDO:0019200, OMIM 268000. Inheritance: Autosomal dominant, autosomal recessive and X linked inheritance.

Submissions (8):

GeneDx
Classification: Pathogenic. Last evaluated: 2026-09-23. Review status: criteria provided, single submitter. Criteria: GeneDx Variant Classification Process June 2021. Collection method: clinical testing. Allele origin: germline.
Comment: Nonsense variant predicted to result in protein truncation or nonsense mediated decay in a gene for which loss of function is a known mechanism of disease; Not observed at significant frequency in large population cohorts (gnomAD); This variant is associated with the following publications: (PMID: 30297895, 36460718, 37217489, 28559085, 33090715, 25525159, 38219857, 39127396, 10447648, 16087855, 29847639, 12203991, 29555028, 28752371, 10420196, 21905166, 12827496, 30718709, 32985515)

PreventionGenetics, part of Exact Sciences
Classification: Pathogenic for CHM-related condition. Last evaluated: 2026-08-01. Review status: criteria provided, single submitter. Criteria: ACMG Guidelines, 2015. Collection method: clinical testing. Allele origin: germline.
Comment: The CHM c.757C>T variant is predicted to result in premature protein termination (p.Arg253*). This variant has been reported as causative for choroideremia (see for examples: van den Hurk et al. 2003. PubMed ID: 12827496; MacDonald et al. 2009. PubMed ID: 19422966; Table S1, Lin et al. 2024. PubMed ID: 38219857). This variant is absent in a large population database (gnomAD), indicating this variant is rare. Nonsense variants in CHM are an established mechanism of disease. This variant is interpreted as pathogenic.

Labcorp Genetics (formerly Invitae), Labcorp
Classification: Pathogenic. Last evaluated: 2025-07-08. Review status: criteria provided, single submitter. Criteria: Invitae Variant Classification Sherloc (09022015). Collection method: clinical testing. Allele origin: germline.
Comment: This sequence change creates a premature translational stop signal (p.Arg253*) in the CHM gene. It is expected to result in an absent or disrupted protein product. Loss-of-function variants in CHM are known to be pathogenic (PMID: 9067750, 23811034). This variant is not present in population databases (gnomAD no frequency). This premature translational stop signal has been observed in individuals with choroideremia (PMID: 19422966, 28559085). ClinVar contains an entry for this variant (Variation ID: 279774). For these reasons, this variant has been classified as Pathogenic.

Dasa
Classification: Pathogenic. Last evaluated: 2025-02-05. Review status: criteria provided, single submitter. Criteria: DASA Assertion Criteria. Collection method: clinical testing. Allele origin: germline.
Comment: NM_000390.4(CHM):c.757C>T (p.Arg253*) introduces a premature termination codon predicted to result in loss of normal protein function. Loss-of-function is an established mechanism of disease for this gene. This variant has been recurrently observed in individuals with related phenotype (PMID: 19422966; PMID: 27329764; PMID: 27936069; PMID: 16087855). The variant is present at low frequency in population datasets. Based on the available data, this variant is classified as pathogenic.

Dept Of Ophthalmology, Nagoya University
Classification: Pathogenic for Retinal dystrophy. Last evaluated: 2023-10-01. Review status: criteria provided, single submitter. Criteria: Submitter's publication. Collection method: research. Allele origin: germline. Affected: yes.

Blueprint Genetics
Classification: Pathogenic for CHM-related disorders. Last evaluated: 2023-07-13. Review status: criteria provided, single submitter. Criteria: ACMG Guidelines, 2015. Collection method: clinical testing. Allele origin: germline. Affected: yes. Observed: 5 variant alleles.

Institute of Human Genetics, Univ. Regensburg, Univ. Regensburg
Classification: Pathogenic for Retinal dystrophy. Last evaluated: 2023-01-01. Review status: criteria provided, single submitter. Criteria: ACMG Guidelines, 2015. Collection method: clinical testing. Allele origin: germline. Affected: yes.

Department of Clinical Genetics, Copenhagen University Hospital, Rigshospitalet
Classification: Pathogenic for Retinitis pigmentosa. Last evaluated: 2018-04-01. Review status: no assertion criteria provided. Collection method: research. Allele origin: unknown. Affected: yes. Study: VeluxRD. Not counted in ClinVar's aggregate classification.

Literature cited by the submitters: PubMed 9067750 (cited by Labcorp Genetics (formerly Invitae), Labcorp); PubMed 23811034 (cited by Labcorp Genetics (formerly Invitae), Labcorp); PubMed 19422966 (cited by 3 submitters); PubMed 28559085 (cited by Labcorp Genetics (formerly Invitae), Labcorp and Institute of Human Genetics, Univ. Regensburg, Univ. Regensburg); PubMed 27329764 (cited by Dasa); PubMed 27936069 (cited by Dasa); PubMed 16087855 (cited by Dasa); PubMed 10420196 (cited by Institute of Human Genetics, Univ. Regensburg, Univ. Regensburg); PubMed 25525159 (cited by Institute of Human Genetics, Univ. Regensburg, Univ. Regensburg); PubMed 28752371 (cited by Institute of Human Genetics, Univ. Regensburg, Univ. Regensburg); PubMed 29847639 (cited by Institute of Human Genetics, Univ. Regensburg, Univ. Regensburg); PubMed 30297895 (cited by Institute of Human Genetics, Univ. Regensburg, Univ. Regensburg); PubMed 30718709 (cited by Institute of Human Genetics, Univ. Regensburg, Univ. Regensburg and Department of Clinical Genetics, Copenhagen University Hospital, Rigshospitalet); PubMed 31416074 (cited by Institute of Human Genetics, Univ. Regensburg, Univ. Regensburg); PubMed 31922496 (cited by Institute of Human Genetics, Univ. Regensburg, Univ. Regensburg); PubMed 32985515 (cited by Institute of Human Genetics, Univ. Regensburg, Univ. Regensburg); PubMed 33090715 (cited by Institute of Human Genetics, Univ. Regensburg, Univ. Regensburg); PubMed 36460718 (cited by Institute of Human Genetics, Univ. Regensburg, Univ. Regensburg).

NM_000390.4(CHM):c.757C>T (p.Arg253Ter)

Gene: CHM (CHM Rab escort protein; minus strand). Cytogenetic location: Xq21.2.
Variant type: single nucleotide variant.
Coding change: c.757C>T on transcript NM_000390.4 (MANE Select); coding-DNA position 757, C replaced by T.
Protein change: p.Arg253Ter; replaces arginine 253 with a stop codon.
Molecular consequence: nonsense.
Genome position (GRCh38, 1-based): chrX:85,958,923, G>A on the plus strand (C>T on the coding strand, the complement: CHM is on the minus strand). VCF-style: chrX-85958923-G-A. GRCh37 (hg19) VCF-style: chrX-85213928-G-A.
Other names: c.757C>T (LRG_699t1, NM_000390.3); c.313C>T, p.Arg105Ter (NM_001320959.1, NM_001362517.1, NM_001362518.2 and 1 more transcripts); short protein forms R253*, R105*.
Identifiers: ClinVar variation 279774 (VCV000279774.19), dbSNP rs886041178, ClinGen allele CA10603741.